The following is an entry in ClinVar:

NC_000002.12:g.121530933A>C

Genes: CLASP1 (cytoplasmic linker associated protein 1; minus strand), CLASP1-AS1 (CLASP1 antisense RNA 1; plus strand), RNU4ATAC (RNA, U4atac small nuclear; plus strand). Cytogenetic location: 2q14.2.
Variant type: single nucleotide variant.
Molecular consequence: intron variant (on NM_001395891.1).
Genome position: GRCh38 VCF-style: chr2-121530933-A-C. GRCh37 (hg19) VCF-style: chr2-122288509-A-C.
Other names: c.196-608T>G (NM_001142274.2, NM_015282.3, NM_001378003.1 and 5 more transcripts).
Identifiers: ClinVar variation 1423203 (VCV001423203.5), dbSNP rs757475581, ClinGen allele CA1854705.

ClinVar aggregate classification (germline): Uncertain significance (1 of 4 stars; one submission).

gnomAD v4.1: 5 of 700,310 alleles (0.00071%); highest among the groups gnomAD compares: African/African-American, 0.0017%; no homozygotes.

Submission:

Labcorp Genetics (formerly Invitae), Labcorp
Classification: Uncertain significance. Last evaluated: 2021-08-31. Review status: criteria provided, single submitter. Criteria: Invitae Variant Classification Sherloc (09022015). Collection method: clinical testing. Allele origin: germline.
Comment: This variant occurs in the RNU4ATAC gene, which encodes an RNA molecule that does not result in a protein product. While this variant is present in population databases (rs757475581), the frequency information is unreliable, as metrics indicate poor data quality at this position in the ExAC database. This variant has not been reported in the literature in individuals affected with RNU4ATAC-related conditions. This variant is located within the 5' stem-loop region of the RNU4ATAC RNA, which includes the 15.5K binding site and is important for spliceosome assembly (PMID: 32628740). A significant number of disease-associated RNU4ATAC variants are found in this region (PMID: 32628740, 30368667). In summary, the available evidence is currently insufficient to determine the role of this variant in disease. Therefore, it has been classified as a Variant of Uncertain Significance.

Literature cited by the submitters: PubMed 32628740; PubMed 30368667.